The following is an entry in ClinVar:

NM_006014.5(LAGE3):c.62A>G (p.His21Arg)

Genes: LAGE3 (L antigen family member 3; minus strand), LOC130068876 (ATAC-STARR-seq lymphoblastoid silent region 21109; plus strand). Cytogenetic location: Xq28.
Variant type: single nucleotide variant.
Coding change: c.62A>G on transcript NM_006014.5 (MANE Select); coding-DNA position 62, A replaced by G.
Protein change: p.His21Arg; replaces histidine 21 with arginine.
Molecular consequence: missense variant.
Genome position (GRCh38, 1-based): chrX:154,478,854, T>C on the plus strand (A>G on the coding strand, the complement: LAGE3 is on the minus strand). VCF-style: chrX-154478854-T-C. GRCh37 (hg19) VCF-style: chrX-153707193-T-C.
Other names: short protein forms H21R.
Identifiers: ClinVar variation 2692800 (VCV002692800.3), dbSNP rs2523107138, ClinGen allele CA415194638.

ClinVar aggregate classification (germline): Uncertain significance (1 of 4 stars; one submission).

Submission:

Labcorp Genetics (formerly Invitae), Labcorp
Classification: Uncertain significance. Last evaluated: 2025-08-18. Review status: criteria provided, single submitter. Criteria: Invitae Variant Classification Sherloc (09022015). Collection method: clinical testing. Allele origin: germline.
Comment: This sequence change replaces histidine, which is basic and polar, with arginine, which is basic and polar, at codon 21 of the LAGE3 protein (p.His21Arg). The frequency data for this variant in the population databases is considered unreliable, as metrics indicate insufficient coverage at this position in the gnomAD database. This variant has not been reported in the literature in individuals affected with LAGE3-related conditions. ClinVar contains an entry for this variant (Variation ID: 2692800). An algorithm developed to predict the effect of missense changes on protein structure and function outputs the following: PolyPhen-2: "Possibly Damaging". The arginine amino acid residue is found in multiple mammalian species, which suggests that this missense change does not adversely affect protein function. In summary, the available evidence is currently insufficient to determine the role of this variant in disease. Therefore, it has been classified as a Variant of Uncertain Significance.